The following is an entry in ClinVar:

NM_031276.3(TEX11):c.898G>A (p.Glu300Lys)

Gene: TEX11 (testis expressed 11; minus strand). Cytogenetic location: Xq13.1.
Variant type: single nucleotide variant.
Coding change: c.898G>A on transcript NM_031276.3 (MANE Select); coding-DNA position 898, G replaced by A.
Protein change: p.Glu300Lys; replaces glutamic acid 300 with lysine.
Molecular consequence: missense variant.
Genome position (GRCh38, 1-based): chrX:70,725,289, C>T on the plus strand (G>A on the coding strand, the complement: TEX11 is on the minus strand). VCF-style: chrX-70725289-C-T. GRCh37 (hg19) VCF-style: chrX-69945139-C-T.
Other names: c.943G>A, p.Glu315Lys (NM_001003811.2); short protein forms E300K, E315K.
Identifiers: ClinVar variation 764766 (VCV000764766.5), dbSNP rs575754903, ClinGen allele CA10442786.

ClinVar aggregate classification (germline): Benign. Review status: criteria provided, single submitter (1 of 4 stars). 2 submissions from 2 submitters: Benign (1). 1 of the submissions does not count toward it. Last evaluated 2018-08-11.

Conditions:
TEX11-related disorder. Also called: TEX11-related condition.

Allele frequency attached by ClinVar (database versions not stated): gnomAD 0.00002 and 0.00034; TOPMed 0.00011; gnomAD exomes 0.00047 and 0.00076; ExAC 0.00107; 1000 Genomes Project 30x 0.00354; 1000 Genomes Project 0.00397.
gnomAD v4.1: 544 of 1,197,780 alleles (0.045%); highest among the groups gnomAD compares: South Asian, 0.81%; 3 homozygotes.

Submissions (2):

Labcorp Genetics (formerly Invitae), Labcorp
Classification: Benign. Last evaluated: 2018-08-11. Review status: criteria provided, single submitter. Criteria: Invitae Variant Classification Sherloc (09022015). Collection method: clinical testing. Allele origin: germline.

PreventionGenetics, part of Exact Sciences
Classification: Likely benign for TEX11-related condition. Last evaluated: 2020-03-16. Review status: no assertion criteria provided. Collection method: clinical testing. Allele origin: germline. Not counted in ClinVar's aggregate classification.
Comment: This variant is classified as likely benign based on ACMG/AMP sequence variant interpretation guidelines (Richards et al. 2015 PMID: 25741868, with internal and published modifications).